The following is an entry in ClinVar:

ClinVar aggregate classification (germline): Pathogenic (1 of 4 stars; one submission).

Conditions:
Generalized juvenile polyposis/juvenile polyposis coli. Also called: Juvenile polyposis coli. Identifiers: Orphanet 329971, MedGen C1868081, MONDO:0008276.

Submission:

Labcorp Genetics (formerly Invitae), Labcorp
Classification: Pathogenic for Juvenile polyposis syndrome. Last evaluated: 2016-05-13. Review status: criteria provided, single submitter. Criteria: Invitae Variant Classification Sherloc (09022015). Collection method: clinical testing. Allele origin: germline.
Comment: A gross deletion of the genomic region encompassing the full coding sequence of the BMPR1A gene has been identified. The boundaries of this event are unknown as the deletion extends beyond the assayed region for this gene and therefore may encompass additional genes. Truncating variants, including whole gene deletions, in BMPR1A are known to be pathogenic. A similar whole gene deletion has been reported in the literature in an individual affected with colorectal polyps (PMID: 23399955). For these reasons, this variant has been classified as Pathogenic.

NM_004329.2(BMPR1A):c.-152-?_*1469del

Gene: BMPR1A (bone morphogenetic protein receptor type 1A; plus strand). Cytogenetic location: 10q23.2.
Variant type: Deletion.
Coding change: c.-152-?_*1469del on transcript NM_004329.2.
Other names: c.-152-?_*1469+?del (LRG_298t1).
Identifiers: ClinVar variation 239852 (VCV000239852.1).